The following is an entry in ClinVar:

ClinVar aggregate classification (germline): Pathogenic/Likely pathogenic. Review status: criteria provided, multiple submitters, no conflicts (2 of 4 stars). 11 submissions from 11 submitters: Pathogenic (6); Likely pathogenic (2). 3 of the submissions do not count toward it. Last evaluated 2025-08-15.

Conditions:
MAN2B1-related disorder. Also called: MAN2B1-related condition.
Deficiency of alpha-mannosidase (MANSA). Also called: Alpha-Mannosidosis; Mannosidosis, alpha-, types I and II; LYSOSOMAL ALPHA-D-MANNOSIDASE DEFICIENCY. Identifiers: Orphanet 61, MedGen C0024748, MONDO:0009561, OMIM 248500.

Allele frequency attached by ClinVar (database versions not stated): ExAC 0.00001; gnomAD 0.00001; gnomAD exomes 0.00001 and 0.00002; TOPMed 0.00003.
gnomAD v4.1: 17 of 1,614,052 alleles (0.0011%); highest among the groups gnomAD compares: African/African-American, 0.0027%; no homozygotes.

Submissions (11):

Victorian Clinical Genetics Services, Murdoch Childrens Research Institute
Classification: Pathogenic for Deficiency of alpha-mannosidase. Last evaluated: 2025-08-15. Review status: criteria provided, single submitter. Criteria: ACMG Guidelines, 2015. Collection method: clinical testing. Allele origin: germline. Affected: yes.
Comment: This variant is classified as Pathogenic. Evidence in support of pathogenic classification: Variant is present in gnomAD <0.01 for a recessive condition (v4: 17 heterozygote(s), 0 homozygote(s)); This variant has strong previous evidence of pathogenicity in unrelated individuals. This variant has been classified as pathogenic and likely pathogenic by clinical laboratories in ClinVar. It has also been reported in homozygous and compound heterozygous individuals with types I and II alpha-mannosidosis (PMIDs: 22161967, 34614013); Another missense variant comparable to the one identified in this case has limited previous evidence for pathogenicity. p.(Arg229Leu) has been classified as likely pathogenic by a clinical laboratory in ClinVar; Missense variant predicted to be damaging by in silico tool(s) or highly conserved with a major amino acid change. Additional information: Variant is predicted to result in a missense amino acid change from Arg to Trp; This variant is heterozygous; This gene is associated with autosomal recessive disease; Alternative amino acid change(s) at the same position are present in gnomAD (Highest allele count: v4: 35 heterozygote(s), 0 homozygote(s)); Variant is located in the annotated glycosyl hydrolases family 38 N-terminal domain (DECIPHER); Loss of function is a known mechanism of disease in this gene and is associated with types I and II alpha-mannosidosis (MIM#248500).

Natera, Inc.
Classification: Likely pathogenic for Alpha-mannosidosis. Last evaluated: 2025-08-10. Review status: criteria provided, single submitter. Criteria: Natera Variant Classification Schema (03/2026). Collection method: clinical testing. Allele origin: germline.
Comment: The c.685C>T variant in MAN2B1 is a missense variant predicted to cause substitution of arginine to tryptophan at amino acid 229. This variant is rare in the general population with a frequency below the threshold expected for the associated phenotype(s). This variant has been observed in one or more individuals affected with the associated recessive disease, as either homozygous or compound heterozygous with a second variant (PMID: 22161967, 34614013, 35871018). Additionally, this variant has been observed to segregate in affected family members (PMID: 22161967). Computational prediction algorithms indicate this variant is likely to affect gene or protein function. Given the available evidence, this variant is classified as Likely Pathogenic.

Labcorp Genetics (formerly Invitae), Labcorp
Classification: Pathogenic for Deficiency of alpha-mannosidase. Last evaluated: 2024-11-18. Review status: criteria provided, single submitter. Criteria: Invitae Variant Classification Sherloc (09022015). Collection method: clinical testing. Allele origin: germline.
Comment: This sequence change replaces arginine, which is basic and polar, with tryptophan, which is neutral and slightly polar, at codon 229 of the MAN2B1 protein (p.Arg229Trp). This variant is present in population databases (rs763257568, gnomAD 0.007%). This missense change has been observed in individual(s) with mannosidosis (PMID: 22161967, 26048034). In at least one individual the data is consistent with being in trans (on the opposite chromosome) from a pathogenic variant. ClinVar contains an entry for this variant (Variation ID: 208258). Invitae Evidence Modeling of protein sequence and biophysical properties (such as structural, functional, and spatial information, amino acid conservation, physicochemical variation, residue mobility, and thermodynamic stability) has been performed for this missense variant. However, the output from this modeling did not meet the statistical confidence thresholds required to predict the impact of this variant on MAN2B1 protein function. Experimental studies have shown that this missense change affects MAN2B1 function (PMID: 11959458, 22161967). For these reasons, this variant has been classified as Pathogenic.

Fulgent Genetics
Classification: Pathogenic for Deficiency of alpha-mannosidase. Last evaluated: 2024-01-03. Review status: criteria provided, single submitter. Criteria: ACMG Guidelines, 2015. Collection method: clinical testing. Allele origin: germline.

GeneDx
Classification: Pathogenic. Last evaluated: 2022-12-30. Review status: criteria provided, single submitter. Criteria: GeneDx Variant Classification Process June 2021. Collection method: clinical testing. Allele origin: germline. Affected: yes.
Comment: Published functional studies demonstrate a damaging effect with the presence of the variant resulting in a significant reduction in enzyme activity (Riise Stensland et al., 2012); Not observed at significant frequency in large population cohorts (gnomAD); In silico analysis supports that this missense variant has a deleterious effect on protein structure/function; This variant is associated with the following publications: (PMID: 11959458, 35871018, 22161967, 21505070, 34614013, 26048034)

Dasa
Classification: Likely pathogenic for Deficiency of alpha-mannosidase. Last evaluated: 2022-06-10. Review status: criteria provided, single submitter. Criteria: ACMG Guidelines, 2015. Collection method: clinical testing. Allele origin: germline. Affected: yes. Observed: 1 variant allele.
Comment: The c.685C>T;p.(Arg229Trp) missense change has been observed in affected individual(s) and ClinVar contains an entry for this variant (ClinVar ID: 208258; PMID: 26048034; 22161967; 11959458; 21505070) - PS4_moderate.Well-established in vitro or in vivo functional studies supportive of a damaging effect on the gene or gene product (PMID: 11959458) - PS3_moderate. The variant is present at low allele frequencies population databases (rs763257568– gnomAD 0.0001314%; ABraOM no frequency) -PM2_supporting. The p.(Arg229Trp) was detected in trans with a Pathogenic variant (PMID: 26048034) - PM3. In summary, the currently available evidence indicates that the variant is Likely Pathogenic

Women's Health and Genetics/Laboratory Corporation of America, LabCorp
Classification: Pathogenic for Deficiency of alpha-mannosidase. Last evaluated: 2022-04-14. Review status: criteria provided, single submitter. Criteria: LabCorp Variant Classification Summary - May 2015. Collection method: clinical testing. Allele origin: germline.
Comment: Variant summary: MAN2B1 c.685C>T (p.Arg229Trp) results in a non-conservative amino acid change located in the Glycoside hydrolase family 38, N-terminal domain (IPR000602) of the encoded protein sequence. Five of five in-silico tools predict a damaging effect of the variant on protein function. The variant allele was found at a frequency of 1.6e-05 in 251450 control chromosomes (gnomAD). c.685C>T has been reported in the literature in multiple individuals affected with Alpha-Mannosidosis (Rise Stensland_2012, Mkaouar_2021). These data indicate that the variant is very likely to be associated with disease. At least one publication reports experimental evidence evaluating an impact on protein function. The most pronounced variant effect results in <10% of normal activity (Berg_2002, Rise Stensland_2012, Mkaouar_2021). Three ClinVar submitters (evaluation after 2014) cite the variant as pathogenic/likely pathogenic. Based on the evidence outlined above, the variant was classified as pathogenic.

Genome-Nilou Lab
Classification: Pathogenic for Deficiency of alpha-mannosidase. Last evaluated: 2021-09-05. Review status: criteria provided, single submitter. Criteria: ACMG Guidelines, 2015. Collection method: clinical testing. Allele origin: germline. Affected: no.

PreventionGenetics, part of Exact Sciences
Classification: Likely pathogenic for MAN2B1-related condition. Last evaluated: 2024-06-27. Review status: no assertion criteria provided. Collection method: clinical testing. Allele origin: germline. Not counted in ClinVar's aggregate classification.
Comment: The MAN2B1 c.685C>T variant is predicted to result in the amino acid substitution p.Arg229Trp. This variant has been reported in the homozygous state or heterozygous state with a second MAN2B1 variant in individuals with alpha-mannosidosis (Riise Stensland et al. 2012. PubMed ID: 22161967; Mkaouar et al. 2021. PubMed ID: 34614013). Functional studies have shown this variant does not impact MANB1 maturation and transportation; however, it was reported to reduce the enzymatic activity to 20-30% of the wildtype enzyme which may correlate with a moderate clinical subtype of the disease (Riise Stensland et al. 2012. PubMed ID: 22161967; Kuokkanen et al. 2011. PubMed ID: 21505070). The intra-familial variability of cognitive impairment has been suggested to be associated with pathogenic variants in other genes (Mkaouar et al. 2021. PubMed ID: 34614013). This variant is reported in 0.0062% of alleles in individuals of African descent in gnomAD. This variant is interpreted as likely pathogenic.

Counsyl
Classification: Likely pathogenic for Deficiency of alpha-mannosidase. Last evaluated: 2017-05-10. Review status: no assertion criteria provided. Collection method: clinical testing. Allele origin: unknown. Not counted in ClinVar's aggregate classification.

ClinVar Staff, National Center for Biotechnology Information (NCBI)
Classification: Uncertain significance for Deficiency of alpha-mannosidase. Last evaluated: 2012-06-07. Review status: no assertion criteria provided. Collection method: literature only. Allele origin: germline. Affected: yes. Not counted in ClinVar's aggregate classification.

Literature cited by the submitters: PubMed 22161967 (cited by 7 submitters); PubMed 34614013 (cited by 3 submitters); PubMed 35871018 (cited by Natera, Inc.); PubMed 26048034 (cited by Labcorp Genetics (formerly Invitae), Labcorp and Dasa); PubMed 11959458 (cited by 4 submitters); PubMed 21505070 (cited by 3 submitters).

NM_000528.4(MAN2B1):c.685C>T (p.Arg229Trp)

Gene: MAN2B1 (mannosidase alpha class 2B member 1; minus strand). Cytogenetic location: 19p13.13.
Variant type: single nucleotide variant.
Coding change: c.685C>T on transcript NM_000528.4 (MANE Select); coding-DNA position 685, C replaced by T.
Protein change: p.Arg229Trp; replaces arginine 229 with tryptophan.
Molecular consequence: missense variant.
Genome position (GRCh38, 1-based): chr19:12,663,781, G>A on the plus strand (C>T on the coding strand, the complement: MAN2B1 is on the minus strand). VCF-style: chr19-12663781-G-A. GRCh37 (hg19) VCF-style: chr19-12774595-G-A.
Other names: c.685C>T, p.Arg229Trp (NM_001173498.2); short protein forms R229W.
Identifiers: ClinVar variation 208258 (VCV000208258.23), dbSNP rs763257568, ClinGen allele CA350933.